The following is an entry in ClinVar:

NM_000179.3(MSH6):c.2478T>C (p.His826=)

Gene: MSH6 (mutS homolog 6; plus strand). Cytogenetic location: 2p16.3.
Variant type: single nucleotide variant.
Coding change: c.2478T>C on transcript NM_000179.3 (MANE Select); coding-DNA position 2478, T replaced by C.
Protein change: p.His826=; no amino-acid change (histidine 826 retained).
Molecular consequence: synonymous variant.
Genome position (GRCh38, 1-based): chr2:47,800,461, T>C. VCF-style: chr2-47800461-T-C. GRCh37 (hg19) VCF-style: chr2-48027600-T-C.
Other names: c.2088T>C, p.His696= (NM_001281492.2); c.1572T>C, p.His524= (NM_001281493.2, NM_001281494.2).
Identifiers: ClinVar variation 993196 (VCV000993196.16), dbSNP rs1572727338, ClinGen allele CA426121489.
Genomic context (GRCh38, chr2:47,800,461, plus strand): 5'-CGAAGTTGTAGAGCTTCTAAAGAAGCTTCCAGATCTTGAGAGGCTACTCAGTAAAATTCA[T>C]AATGTTGGGTCTCCCCTGAAGAGTCAGAACCACCCAGACAGCAGGGCTATAATGTATGAA-3'
Protein context (NP_000170.1, residues 816-836): PDLERLLSKI[His826=]NVGSPLKSQN

ClinVar aggregate classification (germline): Conflicting classifications of pathogenicity. Review status: criteria provided, conflicting classifications (1 of 4 stars). 5 submissions from 5 submitters: Uncertain significance (1); Benign (1); Likely benign (3). Last evaluated 2025-02-24.

Conditions:
Hereditary nonpolyposis colorectal neoplasms. Identifiers: MedGen C0009405, MeSH D003123.
Lynch syndrome 5 (LYNCH5). Also called: Colorectal cancer, hereditary nonpolyposis, type 5; Hereditary non-polyposis colorectal cancer, type 5. Identifiers: Orphanet 144, MedGen C1833477, MONDO:0013710, OMIM 614350. Disease mechanism: loss of function.
Hereditary cancer-predisposing syndrome. Also called: Neoplastic Syndromes, Hereditary; Hereditary Cancer Syndrome; Tumor predisposition; Hereditary neoplastic syndrome. Identifiers: Orphanet 140162, MedGen C0027672, MeSH D009386, MONDO:0015356.

Allele frequency attached by ClinVar (database versions not stated): gnomAD exomes below 0.00001.
gnomAD v4.1: 1 of 1,613,846 alleles (0.000062%); highest among the groups gnomAD compares: Non-Finnish European, 0.000085%; no homozygotes.

Submissions (5):

Labcorp Genetics (formerly Invitae), Labcorp
Classification: Likely benign for Hereditary nonpolyposis colorectal neoplasms. Last evaluated: 2025-02-24. Review status: criteria provided, single submitter. Criteria: Invitae Variant Classification Sherloc (09022015). Collection method: clinical testing. Allele origin: germline.

Myriad Genetics, Inc.
Classification: Benign for Lynch syndrome 5. Last evaluated: 2024-12-31. Review status: criteria provided, single submitter. Criteria: Myriad Autosomal Dominant, Autosomal Recessive and X-Linked Classification Criteria (2023). Collection method: clinical testing. Allele origin: unknown.
Comment: This variant is considered benign. This variant is a silent/synonymous amino acid change and it is not expected to impact splicing.

Color Diagnostics, LLC DBA Color Health
Classification: Likely benign for Hereditary cancer-predisposing syndrome. Last evaluated: 2023-10-02. Review status: criteria provided, single submitter. Criteria: ACMG Guidelines, 2015. Collection method: clinical testing. Allele origin: germline.

Ambry Genetics
Classification: Likely benign for Hereditary cancer-predisposing syndrome. Last evaluated: 2022-02-10. Review status: criteria provided, single submitter. Criteria: Ambry Variant Classification Scheme 2023. Collection method: clinical testing. Allele origin: germline.

Quest Diagnostics Nichols Institute San Juan Capistrano
Classification: Uncertain significance. Last evaluated: 2020-08-26. Review status: criteria provided, single submitter. Criteria: Quest Diagnostics criteria. Collection method: clinical testing. Allele origin: unknown.